The following is an entry in ClinVar:

ClinVar aggregate classification (germline): Benign/Likely benign. Review status: criteria provided, multiple submitters, no conflicts (2 of 4 stars). 5 submissions from 5 submitters: Benign (3); Likely benign (1). 1 of the submissions does not count toward it. Last evaluated 2026-02-01.

Conditions:
CDK5RAP2-related disorder. Also called: CDK5RAP2-related condition.

Allele frequency attached by ClinVar (database versions not stated): gnomAD exomes 0.00136 and 0.00367; ExAC 0.00436; 1000 Genomes Project 0.01398; gnomAD 0.01432 and 0.01549; 1000 Genomes Project 30x 0.01437; ESP Exome Variant Server 0.01515; TOPMed 0.01591.
gnomAD v4.1: 4,286 of 1,614,042 alleles (0.27%); highest among the groups gnomAD compares: African/African-American, 4.9%; 102 homozygotes.

Submissions (5):

Labcorp Genetics (formerly Invitae), Labcorp
Classification: Benign. Last evaluated: 2026-02-01. Review status: criteria provided, single submitter. Criteria: Invitae Variant Classification Sherloc (09022015). Collection method: clinical testing. Allele origin: germline.

GeneDx
Classification: Benign. Last evaluated: 2015-09-25. Review status: criteria provided, single submitter. Criteria: GeneDx Variant Classification (06012015). Collection method: clinical testing. Allele origin: germline. Affected: yes.
Comment: This variant is considered likely benign or benign based on one or more of the following criteria: it is a conservative change, it occurs at a poorly conserved position in the protein, it is predicted to be benign by multiple in silico algorithms, and/or has population frequency not consistent with disease.

Genetic Services Laboratory, University of Chicago
Classification: Benign. Last evaluated: 2013-04-16. Review status: criteria provided, single submitter. Criteria: ACMG Guidelines, 2007. Collection method: clinical testing. Allele origin: germline. Inheritance: Autosomal recessive inheritance.

Breakthrough Genomics
Classification: Likely benign. Review status: criteria provided, single submitter. Criteria: ACMG Guidelines, 2015. Collection method: not provided. Allele origin: germline. Inheritance: Autosomal recessive inheritance. Affected: yes.

PreventionGenetics, part of Exact Sciences
Classification: Benign for CDK5RAP2-related condition. Last evaluated: 2019-07-31. Review status: no assertion criteria provided. Collection method: clinical testing. Allele origin: germline. Not counted in ClinVar's aggregate classification.
Comment: This variant is classified as benign based on ACMG/AMP sequence variant interpretation guidelines (Richards et al. 2015 PMID: 25741868, with internal and published modifications).

NM_018249.6(CDK5RAP2):c.4821G>C (p.Arg1607Ser)

Gene: CDK5RAP2 (CDK5 regulatory subunit associated protein 2; minus strand). Cytogenetic location: 9q33.2.
Variant type: single nucleotide variant.
Coding change: c.4821G>C on transcript NM_018249.6 (MANE Select); coding-DNA position 4821, G replaced by C.
Protein change: p.Arg1607Ser; replaces arginine 1607 with serine.
Molecular consequence: missense variant. On other transcripts: non-coding transcript variant (5), intron variant (1).
Genome position (GRCh38, 1-based): chr9:120,407,154, C>G on the plus strand (G>C on the coding strand, the complement: CDK5RAP2 is on the minus strand). VCF-style: chr9-120407154-C-G. GRCh37 (hg19) VCF-style: chr9-123169432-C-G.
Other names: c.4131G>C, p.Arg1377Ser (NM_001272039.2); c.4726+1193G>C (NM_001011649.3); short protein forms R1607S, R1377S.
Identifiers: ClinVar variation 158154 (VCV000158154.21), dbSNP rs16909747, ClinGen allele CA171587.